The following is an entry in ClinVar:

ClinVar aggregate classification (germline): Pathogenic (1 of 4 stars; one submission).

Conditions:
Inborn genetic diseases. Identifiers: MedGen C0950123, MeSH D030342.

Submission:

Ambry Genetics
Classification: Pathogenic for Inborn genetic diseases. Last evaluated: 2025-12-18. Review status: criteria provided, single submitter. Criteria: Ambry Variant Classification Scheme 2023. Collection method: clinical testing. Allele origin: germline.
Comment: The c.5266_5267delGA (p.E1756Kfs*3) alteration, located in exon 20 (coding exon 20) of the ARID1B gene, consists of a deletion of 2 nucleotides from position 5266 to 5267, causing a translational frameshift with a predicted alternate stop codon after 3 amino acids. This variant is not expected to trigger nonsense-mediated mRNA decay, and impacts the last 22% of the protein. However, premature stop codons are typically deleterious in nature, a significant portion of the protein is affected and the impacted region is critical for protein function (Ambry internal data). This variant was not reported in population-based cohorts in the Genome Aggregation Database (gnomAD). This variant was reported in individual(s) with features consistent with ARID1B-related Coffin-Siris syndrome; in at least one individual, it was determined to be de novo (Proietti, 2021). Based on the available evidence, this alteration is classified as pathogenic.

Literature cited by the submitters: PubMed 34730517.

NM_020732.3:c.5266_5267delGA

Gene: ARID1B (AT-rich interaction domain 1B; plus strand).
Variant type: Deletion.
Other names: c.5266_5267delGA (NM_020732.3).
Identifiers: ClinVar variation 4832961 (VCV004832961.1).